The following is an entry in ClinVar:

NM_000245.4(MET):c.2375A>C (p.His792Pro)

Gene: MET (MET proto-oncogene, receptor tyrosine kinase; plus strand). Cytogenetic location: 7q31.2.
Variant type: single nucleotide variant.
Coding change: c.2375A>C on transcript NM_000245.4 (MANE Select); coding-DNA position 2375, A replaced by C.
Protein change: p.His792Pro; replaces histidine 792 with proline.
Molecular consequence: missense variant.
Genome position (GRCh38, 1-based): chr7:116,763,060, A>C. VCF-style: chr7-116763060-A-C. GRCh37 (hg19) VCF-style: chr7-116403114-A-C.
Other names: c.2429A>C, p.His810Pro (NM_001127500.3); c.2375A>C, p.His792Pro (NM_001324401.3); c.1085A>C, p.His362Pro (NM_001324402.2); c.2429A>C (NM_001127500.2); short protein forms H810P, H362P, H792P.
Identifiers: ClinVar variation 862926 (VCV000862926.14), dbSNP rs980467681, ClinGen allele CA164897660.

ClinVar aggregate classification (germline): Conflicting classifications of pathogenicity. Review status: criteria provided, conflicting classifications (1 of 4 stars). 5 submissions from 5 submitters: Uncertain significance (2); Likely benign (2). 1 of the submissions does not count toward it. Last evaluated 2025-09-11.

Conditions:
MET-related disorder. Also called: MET-related condition.
Renal cell carcinoma. Identifiers: Orphanet 217071, MedGen C0007134, MeSH D002292, MONDO:0005086, HP:0005584.
Hereditary cancer-predisposing syndrome. Also called: Hereditary Cancer Syndrome; Tumor predisposition; Neoplastic Syndromes, Hereditary; Hereditary neoplastic syndrome. Identifiers: Orphanet 140162, MedGen C0027672, MeSH D009386, MONDO:0015356.
Autosomal recessive nonsyndromic hearing loss 97. Also called: Deafness, autosomal recessive 97. Identifiers: Orphanet 90636, MedGen C4084709, MONDO:0014739, OMIM 616705.

Allele frequency attached by ClinVar (database versions not stated): TOPMed 0.00003.
gnomAD v4.1: 13 of 1,613,834 alleles (0.00081%); highest among the groups gnomAD compares: African/African-American, 0.017%; no homozygotes.

Submissions (5):

Labcorp Genetics (formerly Invitae), Labcorp
Classification: Likely benign for Renal cell carcinoma. Last evaluated: 2025-09-11. Review status: criteria provided, single submitter. Criteria: Invitae Variant Classification Sherloc (09022015). Collection method: clinical testing. Allele origin: germline.

Baylor Genetics
Classification: Uncertain significance for Autosomal recessive nonsyndromic hearing loss 97. Last evaluated: 2023-09-06. Review status: criteria provided, single submitter. Criteria: ACMG Guidelines, 2015. Collection method: clinical testing. Allele origin: unknown.

Ambry Genetics
Classification: Likely benign for Hereditary cancer-predisposing syndrome. Last evaluated: 2022-08-26. Review status: criteria provided, single submitter. Criteria: Ambry Variant Classification Scheme 2023. Collection method: clinical testing. Allele origin: germline.

GeneDx
Classification: Uncertain significance. Last evaluated: 2022-06-01. Review status: criteria provided, single submitter. Criteria: GeneDx Variant Classification Process June 2021. Collection method: clinical testing. Allele origin: germline. Affected: yes.
Comment: In silico analysis supports that this missense variant has a deleterious effect on protein structure/function; Has not been previously published as pathogenic or benign to our knowledge

PreventionGenetics, part of Exact Sciences
Classification: Uncertain significance for MET-related condition. Last evaluated: 2023-11-10. Review status: no assertion criteria provided. Collection method: clinical testing. Allele origin: germline. Not counted in ClinVar's aggregate classification.
Comment: The MET c.2429A>C variant is predicted to result in the amino acid substitution p.His810Pro. To our knowledge, this variant has not been reported in the literature. This variant is reported in 0.025% of alleles in individuals of African descent in gnomAD and is listed in ClinVar with conflicting interpretations of likely benign and uncertain. At this time, the clinical significance of this variant is uncertain due to the absence of conclusive functional and genetic evidence.